The following is an entry in ClinVar:

NM_031475.3(ESPN):c.1916-1G>C

Gene: ESPN (espin; plus strand). Cytogenetic location: 1p36.31.
Variant type: single nucleotide variant.
Coding change: c.1916-1G>C on transcript NM_031475.3 (MANE Select); the canonical splice acceptor site of the intron before coding-DNA position 1916, G replaced by C.
Molecular consequence: splice acceptor variant.
Genome position (GRCh38, 1-based): chr1:6,451,602, G>C. VCF-style: chr1-6451602-G-C. GRCh37 (hg19) VCF-style: chr1-6511662-G-C.
Other names: c.1853-1G>C (NM_001367474.1); c.1826-1G>C (NM_001367473.1).
Identifiers: ClinVar variation 984702 (VCV000984702.1), dbSNP rs1643944047, ClinGen allele CA338098952.

ClinVar aggregate classification (germline): Pathogenic (1 of 4 stars; one submission).

Conditions:
Autosomal recessive nonsyndromic hearing loss 36. Also called: Deafness, autosomal recessive 36; DEAFNESS, AUTOSOMAL RECESSIVE 36, WITH VESTIBULAR INVOLVEMENT. Identifiers: Orphanet 90636, MedGen C1837007, MONDO:0012170, OMIM 609006.

Submission:

Institute of Human Genetics, University of Leipzig Medical Center
Classification: Pathogenic for Autosomal recessive nonsyndromic hearing loss 36. Last evaluated: 2020-06-01. Review status: criteria provided, single submitter. Criteria: ACMG Guidelines, 2015. Collection method: clinical testing. Allele origin: germline. Inheritance: Autosomal recessive inheritance. Affected: yes.
Comment: PVS1, PM2, PM3_Supporting